The following is an entry in ClinVar:

NM_182961.4(SYNE1):c.102A>G (p.Thr34=)

Gene: SYNE1 (spectrin repeat containing nuclear envelope protein 1; minus strand). Cytogenetic location: 6q25.2.
Variant type: single nucleotide variant.
Coding change: c.102A>G on transcript NM_182961.4 (MANE Select); coding-DNA position 102, A replaced by G.
Protein change: p.Thr34=; no amino-acid change (threonine 34 retained).
Molecular consequence: synonymous variant.
Genome position (GRCh38, 1-based): chr6:152,539,987, T>C on the plus strand (A>G on the coding strand, the complement: SYNE1 is on the minus strand). VCF-style: chr6-152539987-T-C. GRCh37 (hg19) VCF-style: chr6-152861122-T-C.
Other names: c.102A>G, p.Thr34= (NM_033071.5).
Identifiers: ClinVar variation 3750886 (VCV003750886.3).
Genomic context (GRCh38, chr6:152,539,987, plus strand): 5'-AGTAAACCTGTAATGCTGGGTAGTTTCCTTTACCTTGGCCAGATGAGAGTTGATCCATTT[T>C]GTGAAAGTTCGTTTTTGTACTATCTCTTGCTCATCTAGAAGGAAAAAGAAATCTGGTTAA-3'
Protein context (NP_892006.3, residues 24-44): EQEIVQKRTF[Thr34=]KWINSHLAKR

ClinVar aggregate classification (germline): Likely benign. Review status: criteria provided, multiple submitters, no conflicts (2 of 4 stars). 2 submissions from 2 submitters: Likely benign (2). Last evaluated 2026-09-01.

Conditions:
Emery-Dreifuss muscular dystrophy 4, autosomal dominant (EDMD4). Also called: EMERY-DREIFUSS MUSCULAR DYSTROPHY 4 WITH VARIABLE FEATURES. Identifiers: Orphanet 261, MedGen C2751807, MONDO:0013071, OMIM 612998.
Autosomal recessive ataxia, Beauce type. Also called: SYNE1 Deficiency; SYNE1-Related Autosomal Recessive Cerebellar Ataxia; Spinocerebellar ataxia, autosomal recessive 8; ATAXIA, RECESSIVE, OF BEAUCE. Identifiers: Orphanet 88644, MedGen C1853116, MONDO:0012549, OMIM 610743.

gnomAD v4.1: 9 of 1,613,868 alleles (0.00056%); highest among the groups gnomAD compares: East Asian, 0.018%; no homozygotes.

Submissions (2):

CeGaT Center for Human Genetics Tuebingen
Classification: Likely benign. Last evaluated: 2026-09-01. Review status: criteria provided, single submitter. Criteria: CeGaT Center For Human Genetics Tuebingen Variant Classification Criteria Version 2. Collection method: clinical testing. Allele origin: germline. Affected: yes. Observed: 1 variant allele.
Comment: SYNE1: BP4, BP7

Labcorp Genetics (formerly Invitae), Labcorp
Classification: Likely benign for Emery-Dreifuss muscular dystrophy 4, autosomal dominant; Autosomal recessive ataxia, Beauce type. Last evaluated: 2025-01-27. Review status: criteria provided, single submitter. Criteria: Invitae Variant Classification Sherloc (09022015). Collection method: clinical testing. Allele origin: germline.